The following is an entry in ClinVar:

NM_170699.3(GPBAR1):c.975C>T (p.Val325=)

Gene: GPBAR1 (G protein-coupled bile acid receptor 1; plus strand). Cytogenetic location: 2q35.
Variant type: single nucleotide variant.
Coding change: c.975C>T on transcript NM_170699.3 (MANE Select); coding-DNA position 975, C replaced by T.
Protein change: p.Val325=; no amino-acid change (valine 325 retained).
Molecular consequence: synonymous variant.
Genome position (GRCh38, 1-based): chr2:218,263,699, C>T. VCF-style: chr2-218263699-C-T. GRCh37 (hg19) VCF-style: chr2-219128422-C-T.
Other names: c.975C>T, p.Val325= (NM_001077191.2, NM_001077194.2, NM_001321950.2); c.975C>T (NM_001321950.1).
Identifiers: ClinVar variation 500333 (VCV000500333.8), dbSNP rs202200326, ClinGen allele CA2102741.
Genomic context (GRCh38, chr2:218,263,699, plus strand): 5'-AGCCTCCCGGGACAGTCCCGGCCCCAGCATTGCCTACCACCCAAGCAGCCAAAGCAGTGT[C>T]GACCTGGACTTGAACTAAAGGAAGGGCCTCTGCTGACTCCTACCAGAGCATCCGTCCAGC-3'
Protein context (NP_733800.1, residues 315-330): IAYHPSSQSS[Val325=]DLDLN

ClinVar aggregate classification (germline): Uncertain significance. Review status: criteria provided, multiple submitters, no conflicts (2 of 4 stars). 3 submissions from 3 submitters: Uncertain significance (2). 1 of the submissions does not count toward it. Last evaluated 2017-02-02.

Conditions:
GPBAR1-related disorder. Also called: GPBAR1-related condition.

Allele frequency attached by ClinVar (database versions not stated): TOPMed 0.00009; 1000 Genomes Project 30x 0.00016.
gnomAD v4.1: 110 of 1,612,948 alleles (0.0068%); highest among the groups gnomAD compares: Middle Eastern, 0.082%; no homozygotes.

Submissions (3):

Eurofins Ntd Llc (ga)
Classification: Uncertain significance. Last evaluated: 2017-02-02. Review status: criteria provided, single submitter. Criteria: EGL Classification Definitions 2015. Collection method: clinical testing. Allele origin: germline. Observed: 2 variant alleles, 2 heterozygotes.

Breakthrough Genomics
Classification: Uncertain significance. Review status: criteria provided, single submitter. Criteria: ACMG Guidelines, 2015. Collection method: not provided. Allele origin: germline. Inheritance: Unknown mechanism. Affected: yes.

PreventionGenetics, part of Exact Sciences
Classification: Likely benign for GPBAR1-related condition. Last evaluated: 2023-02-08. Review status: no assertion criteria provided. Collection method: clinical testing. Allele origin: germline. Not counted in ClinVar's aggregate classification.
Comment: This variant is classified as likely benign based on ACMG/AMP sequence variant interpretation guidelines (Richards et al. 2015 PMID: 25741868, with internal and published modifications).